The following is an entry in ClinVar:

ClinVar aggregate classification (germline): Uncertain significance. Review status: criteria provided, multiple submitters, no conflicts (2 of 4 stars). 2 submissions from 2 submitters: Uncertain significance (2). Last evaluated 2024-10-25.

Conditions:
Inborn genetic diseases. Identifiers: MedGen C0950123, MeSH D030342.

gnomAD v4.1: 39 of 1,613,970 alleles (0.0024%); highest among the groups gnomAD compares: African/African-American, 0.049%; no homozygotes.

Submissions (2):

Ambry Genetics
Classification: Uncertain significance for Inborn genetic diseases. Last evaluated: 2024-10-25. Review status: criteria provided, single submitter. Criteria: Ambry Variant Classification Scheme 2023. Collection method: clinical testing. Allele origin: germline.

Labcorp Genetics (formerly Invitae), Labcorp
Classification: Uncertain significance. Last evaluated: 2022-08-09. Review status: criteria provided, single submitter. Criteria: Invitae Variant Classification Sherloc (09022015). Collection method: clinical testing. Allele origin: germline.
Comment: In summary, the available evidence is currently insufficient to determine the role of this variant in disease. Therefore, it has been classified as a Variant of Uncertain Significance. Algorithms developed to predict the effect of missense changes on protein structure and function (SIFT, PolyPhen-2, Align-GVGD) all suggest that this variant is likely to be tolerated. ClinVar contains an entry for this variant (Variation ID: 1509863). This variant has not been reported in the literature in individuals affected with TRMT5-related conditions. This variant is present in population databases (rs76079086, gnomAD 0.06%). This sequence change replaces histidine, which is basic and polar, with aspartic acid, which is acidic and polar, at codon 179 of the TRMT5 protein (p.His179Asp).

NM_020810.3(TRMT5):c.535C>G (p.His179Asp)

Gene: TRMT5 (tRNA methyltransferase 5; minus strand). Cytogenetic location: 14q23.1.
Variant type: single nucleotide variant.
Coding change: c.535C>G on transcript NM_020810.3 (MANE Select); coding-DNA position 535, C replaced by G.
Protein change: p.His179Asp; replaces histidine 179 with aspartic acid.
Molecular consequence: missense variant.
Genome position (GRCh38, 1-based): chr14:60,979,363, G>C on the plus strand (C>G on the coding strand, the complement: TRMT5 is on the minus strand). VCF-style: chr14-60979363-G-C. GRCh37 (hg19) VCF-style: chr14-61446081-G-C.
Other names: c.619C>G, p.His207Asp (NM_001350253.1); c.616C>G, p.His206Asp (NM_001350254.1); c.535C>G (NM_020810.2); short protein forms H207D, H179D, H206D.
Identifiers: ClinVar variation 1509863 (VCV001509863.5), dbSNP rs76079086, ClinGen allele CA7213903.